The following is an entry in ClinVar:

NM_001374736.1(DST):c.16747C>T (p.Arg5583Trp)

Gene: DST (dystonin; minus strand). Cytogenetic location: 6p12.1.
Variant type: single nucleotide variant.
Coding change: c.16747C>T on transcript NM_001374736.1 (MANE Select); coding-DNA position 16747, C replaced by T.
Protein change: p.Arg5583Trp; replaces arginine 5583 with tryptophan.
Molecular consequence: missense variant.
Genome position (GRCh38, 1-based): chr6:56,536,802, G>A on the plus strand (C>T on the coding strand, the complement: DST is on the minus strand). VCF-style: chr6-56536802-G-A. GRCh37 (hg19) VCF-style: chr6-56401600-G-A.
Other names: c.10390C>T, p.Arg3464Trp (NM_001144769.5); c.9976C>T, p.Arg3326Trp (NM_001144770.2); c.16747C>T, p.Arg5583Trp (NM_001374722.1); c.16114C>T, p.Arg5372Trp (NM_001374729.1); c.9856C>T, p.Arg3286Trp (NM_001374730.1, NM_183380.4); c.16774C>T, p.Arg5592Trp (NM_001374734.1); c.8878C>T, p.Arg2960Trp (NM_015548.5); short protein forms R2960W, R3286W, R3326W, R5372W, R3464W, R5583W, R5592W.
Identifiers: ClinVar variation 972335 (VCV000972335.43), dbSNP rs568055144, ClinGen allele CA3867606.

ClinVar aggregate classification (germline): Uncertain significance. Review status: criteria provided, multiple submitters, no conflicts (2 of 4 stars). 3 submissions from 3 submitters: Uncertain significance (3). Last evaluated 2023-06-23.

Conditions:
Hereditary sensory and autonomic neuropathy type 6. Also called: Neuropathy, hereditary sensory and autonomic, type VI; HSAN VI. Identifiers: Orphanet 314381, MedGen C3539003, MONDO:0013839, OMIM 614653.
Epidermolysis bullosa simplex 3, localized or generalized intermediate, with BP230 deficiency (EBS3). Also called: Epidermolysis bullosa simplex, autosomal recessive 2; Epidermolysis bullosa simplex due to BP230 deficiency. Identifiers: Orphanet 412181, MedGen C3809470, MONDO:0014180, OMIM 615425.

Allele frequency attached by ClinVar (database versions not stated): ExAC 0.00002; gnomAD exomes 0.00002 and 0.00005; gnomAD 0.00003; TOPMed 0.00003; 1000 Genomes Project 30x 0.00016; 1000 Genomes Project 0.00020.
gnomAD v4.1: 74 of 1,588,910 alleles (0.0047%); highest among the groups gnomAD compares: Non-Finnish European, 0.0053%; no homozygotes.

Submissions (3):

Blueprint Genetics
Classification: Uncertain significance. Last evaluated: 2023-06-23. Review status: criteria provided, single submitter. Criteria: ACMG Guidelines, 2015. Collection method: clinical testing. Allele origin: germline.

Labcorp Genetics (formerly Invitae), Labcorp
Classification: Uncertain significance for Epidermolysis bullosa simplex 3, localized or generalized intermediate, with BP230 deficiency; Hereditary sensory and autonomic neuropathy type 6. Last evaluated: 2022-08-23. Review status: criteria provided, single submitter. Criteria: Invitae Variant Classification Sherloc (09022015). Collection method: clinical testing. Allele origin: germline.
Comment: The DST gene has multiple clinically relevant transcripts. This variant occurs in alternate transcript NM_015548.4, and corresponds to NM_001723.5:c.*78715C>T in the primary transcript. This sequence change replaces arginine, which is basic and polar, with tryptophan, which is neutral and slightly polar, at codon 2960 of the DST protein (p.Arg2960Trp). This variant is present in population databases (rs568055144, gnomAD 0.01%). This variant has not been reported in the literature in individuals affected with DST-related conditions. Experimental studies and prediction algorithms are not available or were not evaluated, and the functional significance of this variant is currently unknown. In summary, the available evidence is currently insufficient to determine the role of this variant in disease. Therefore, it has been classified as a Variant of Uncertain Significance.

CeGaT Center for Human Genetics Tuebingen
Classification: Uncertain significance. Last evaluated: 2021-01-01. Review status: criteria provided, single submitter. Criteria: CeGaT Center For Human Genetics Tuebingen Variant Classification Criteria Version 2. Collection method: clinical testing. Allele origin: germline. Affected: yes. Observed: 1 variant allele.